The following is an entry in ClinVar:

ClinVar aggregate classification (germline): Uncertain significance (1 of 4 stars; one submission).

Conditions:
LAMA2-related muscular dystrophy (LAMA2-RD). Also called: Laminin alpha 2-related dystrophy. Identifiers: MedGen C5679788, MONDO:0100228.

Submission:

Labcorp Genetics (formerly Invitae), Labcorp
Classification: Uncertain significance for LAMA2-related muscular dystrophy. Last evaluated: 2023-11-14. Review status: criteria provided, single submitter. Criteria: Invitae Variant Classification Sherloc (09022015). Collection method: clinical testing. Allele origin: germline.
Comment: This sequence change falls in intron 34 of the LAMA2 gene. It does not directly change the encoded amino acid sequence of the LAMA2 protein. This variant is not present in population databases (gnomAD no frequency). This variant has not been reported in the literature in individuals affected with LAMA2-related conditions. Algorithms developed to predict the effect of sequence changes on RNA splicing suggest that this variant may disrupt the consensus splice site. In summary, the available evidence is currently insufficient to determine the role of this variant in disease. Therefore, it has been classified as a Variant of Uncertain Significance.

NM_000426.4(LAMA2):c.4960-10G>A

Gene: LAMA2 (laminin subunit alpha 2; plus strand). Cytogenetic location: 6q22.33.
Variant type: single nucleotide variant.
Coding change: c.4960-10G>A on transcript NM_000426.4 (MANE Select); 10 bases into the intron before coding-DNA position 4960, G replaced by A.
Molecular consequence: intron variant.
Genome position (GRCh38, 1-based): chr6:129,383,112, G>A. VCF-style: chr6-129383112-G-A. GRCh37 (hg19) VCF-style: chr6-129704257-G-A.
Other names: c.4960-10G>A (NM_001079823.2).
Identifiers: ClinVar variation 2694823 (VCV002694823.3), dbSNP rs2482690247, ClinGen allele CA2697553674.